The following is an entry in ClinVar:

NM_020436.5(SALL4):c.411C>G (p.Gly137=)

Gene: SALL4 (spalt like transcription factor 4; minus strand). Cytogenetic location: 20q13.2.
Variant type: single nucleotide variant.
Coding change: c.411C>G on transcript NM_020436.5 (MANE Select); coding-DNA position 411, C replaced by G.
Protein change: p.Gly137=; no amino-acid change (glycine 137 retained).
Molecular consequence: synonymous variant.
Genome position (GRCh38, 1-based): chr20:51,792,072, G>C on the plus strand (C>G on the coding strand, the complement: SALL4 is on the minus strand). VCF-style: chr20-51792072-G-C. GRCh37 (hg19) VCF-style: chr20-50408611-G-C.
Other names: c.411C>G (NM_020436.4); c.411C>G, p.Gly137= (NM_001318031.2).
Identifiers: ClinVar variation 703339 (VCV000703339.11), dbSNP rs201560082, ClinGen allele CA9912466.

ClinVar aggregate classification (germline): Likely benign. Review status: criteria provided, multiple submitters, no conflicts (2 of 4 stars). 4 submissions from 4 submitters: Likely benign (3). 1 of the submissions does not count toward it. Last evaluated 2024-08-28.

Conditions:
SALL4-Related Disorders. Also called: SALL4-related disorder; SALL4-related condition. Identifiers: MedGen CN381056.
Duane-radial ray syndrome (DRRS). Also called: Duane-Radial Ray Syndrome (DRRS) / Okihiro Syndrome; DR SYNDROME; DUANE ANOMALY WITH RADIAL RAY ABNORMALITIES AND DEAFNESS; Duane-Radial Ray Syndrome/Okihiro Syndrome; ACRORENOOCULAR SYNDROME; Okihiro Syndrome. Identifiers: Orphanet 93293, Orphanet 959, MedGen C1623209, MONDO:0011812, OMIM 607323. Disease mechanism: gain of function.
Oculootoradial syndrome (IVIC). Also called: RADIAL RAY DEFECTS, HEARING IMPAIRMENT, EXTERNAL OPHTHALMOPLEGIA, AND THROMBOCYTOPENIA; IVIC syndrome. Identifiers: Orphanet 2307, MedGen C1327918, MONDO:0007836, OMIM 147750.

Allele frequency attached by ClinVar (database versions not stated): TOPMed 0.00005.

Submissions (4):

Labcorp Genetics (formerly Invitae), Labcorp
Classification: Likely benign for Duane-radial ray syndrome. Last evaluated: 2024-08-28. Review status: criteria provided, single submitter. Criteria: Invitae Variant Classification Sherloc (09022015). Collection method: clinical testing. Allele origin: germline.

Blueprint Genetics
Classification: Likely benign. Last evaluated: 2024-06-27. Review status: criteria provided, single submitter. Criteria: ACMG Guidelines, 2015. Collection method: clinical testing. Allele origin: germline.

Fulgent Genetics
Classification: Likely benign for Oculootoradial syndrome; Duane-radial ray syndrome. Last evaluated: 2021-09-21. Review status: criteria provided, single submitter. Criteria: ACMG Guidelines, 2015. Collection method: clinical testing. Allele origin: unknown.

PreventionGenetics, part of Exact Sciences
Classification: Likely benign for SALL4-related condition. Last evaluated: 2020-07-24. Review status: no assertion criteria provided. Collection method: clinical testing. Allele origin: germline. Not counted in ClinVar's aggregate classification.
Comment: This variant is classified as likely benign based on ACMG/AMP sequence variant interpretation guidelines (Richards et al. 2015 PMID: 25741868, with internal and published modifications).